The following is an entry in ClinVar:

ClinVar aggregate classification (germline): Conflicting classifications of pathogenicity. Review status: criteria provided, conflicting classifications (1 of 4 stars). 3 submissions from 3 submitters: Likely pathogenic (1); Uncertain significance (2). Last evaluated 2024-08-19.

Conditions:
Hypertrophic cardiomyopathy. Also called: HYPERTROPHIC MYOCARDIOPATHY. Identifiers: Orphanet 217569, MedGen C0007194, MeSH D002312, MONDO:0005045, HP:0001639.

Allele frequency attached by ClinVar (database versions not stated): gnomAD exomes below 0.00001.
gnomAD v4.1: 1 of 1,614,058 alleles (0.000062%); no homozygotes.

Submissions (3):

Labcorp Genetics (formerly Invitae), Labcorp
Classification: Uncertain significance for Hypertrophic cardiomyopathy. Last evaluated: 2024-08-19. Review status: criteria provided, single submitter. Criteria: Invitae Variant Classification Sherloc (09022015). Collection method: clinical testing. Allele origin: germline.
Comment: This sequence change replaces glutamic acid, which is acidic and polar, with alanine, which is neutral and non-polar, at codon 1548 of the MYH7 protein (p.Glu1548Ala). This variant is present in population databases (rs730880804, gnomAD no frequency). This variant has not been reported in the literature in individuals affected with MYH7-related conditions. ClinVar contains an entry for this variant (Variation ID: 181260). An algorithm developed to predict the effect of missense changes on protein structure and function (PolyPhen-2) suggests that this variant is likely to be disruptive. In summary, the available evidence is currently insufficient to determine the role of this variant in disease. Therefore, it has been classified as a Variant of Uncertain Significance.

All of Us Research Program, National Institutes of Health
Classification: Uncertain significance for Hypertrophic cardiomyopathy. Last evaluated: 2023-08-08. Review status: criteria provided, single submitter. Criteria: ACMG Guidelines, 2015. Collection method: clinical testing. Allele origin: germline. Inheritance: Autosomal dominant inheritance. Observed: 1 variant allele, 1 heterozygote.
Comment: To date, this variant has not been reported in association with human disease in the medical literature. This variant is present in 1/250606 total alleles in the Genome Aggregation Database. This variant is predicted to be deleterious by in silico analysis. This prediction has not been confirmed by functional studies.

This study involves interpretation of variants in research participants for the purpose of population health screening. Participant phenotype was not available at the time of variant classification. Additional details can be found in publication PMID: 35346344, PMCID: PMC8962531

GeneDx
Classification: Likely pathogenic. Last evaluated: 2014-05-07. Review status: criteria provided, single submitter. Criteria: GeneDx Variant Classification (06012015). Collection method: clinical testing. Allele origin: germline. Affected: yes.
Comment: p.Glu1548Ala (GAG>GCG): c.4643 A>C in exon 33 of the MYH7 gene (NM_000257.2). A E1548A variant that is likely pathogenic was identified in the MYH7 gene. It has not been published as a mutation or as a benign polymorphism to our knowledge. The E1548A variant was not observed in approximately 6,500 individuals of European and African American ancestry in the NHLBI Exome Sequencing Project, indicating it is not a common benign variant in these populations. The E1548A variant is a non-conservative amino acid substitution, which is likely to impact secondary protein structure as these residues differ in polarity, charge, size and/or other properties. This substitution occurs at a position that is completely conserved across species. In silico analysis predicts this variant is probably damaging to the protein structure/function. A missense mutation in a nearby residue (E1555K) has been reported in association with HCM, supporting the functional importance of this region of the protein. Therefore, this variant is a strong candidate for a pathogenic mutation, however the possibility that it is a benign variant cannot be excluded. The variant is found in CARDIOMYOPATHY panel(s).

NM_000257.4(MYH7):c.4643A>C (p.Glu1548Ala)

Genes: MHRT (myosin heavy chain associated RNA transcript; plus strand), MYH7 (myosin heavy chain 7; minus strand). Cytogenetic location: 14q11.2.
Variant type: single nucleotide variant.
Coding change: c.4643A>C on transcript NM_000257.4 (MANE Select); coding-DNA position 4643, A replaced by C.
Protein change: p.Glu1548Ala; replaces glutamic acid 1548 with alanine.
Molecular consequence: missense variant.
Genome position (GRCh38, 1-based): chr14:23,416,869, T>G on the plus strand (A>C on the coding strand, the complement: MYH7 is on the minus strand). VCF-style: chr14-23416869-T-G. GRCh37 (hg19) VCF-style: chr14-23886078-T-G.
Other names: p.E1548A:GAG>GCG; c.4643A>C (LRG_384t1); short protein forms E1548A.
Identifiers: ClinVar variation 181260 (VCV000181260.7), dbSNP rs730880804, ClinGen allele CA015169.